The following is an entry in ClinVar:

NM_000264.5(PTCH1):c.1487_1488delinsTA (p.Asn496Ile)

Gene: PTCH1 (patched 1; minus strand). Cytogenetic location: 9q22.32.
Variant type: Indel.
Coding change: c.1487_1488delinsTA on transcript NM_000264.5 (MANE Select); coding-DNA positions 1487 to 1488, AC replaced by TA.
Protein change: p.Asn496Ile; replaces asparagine 496 with isoleucine.
Molecular consequence: missense variant. On other transcripts: non-coding transcript variant (1), intron variant (1).
Genome position (GRCh38, 1-based): chr9:95,477,562-95,477,563, GT replaced by TA on the plus strand (AC replaced by TA on the coding strand, the reverse complement: PTCH1 is on the minus strand). VCF-style: chr9-95477562-GT-TA. GRCh37 (hg19) VCF-style: chr9-98239844-GT-TA.
Other names: c.1289_1290delinsTA, p.Asn430Ile (NM_001083602.3); c.1484_1485delinsTA, p.Asn495Ile (NM_001083603.3); c.1034_1035delinsTA, p.Asn345Ile (NM_001083604.3, NM_001083605.3, NM_001083606.3 and 1 more transcripts); c.1347+492_1347+493delinsTA (NM_001354918.2); short protein forms N345I, N430I, N495I, N496I.
Identifiers: ClinVar variation 1062272 (VCV001062272.7), dbSNP rs2118303008, ClinGen allele CA2499220064.

ClinVar aggregate classification (germline): Uncertain significance (1 of 4 stars; one submission).

Conditions:
Gorlin syndrome. Also called: Basal cell nevus syndrome; Nevoid Basal Cell Carcinoma Syndrome. Identifiers: Orphanet 377, MedGen C0004779, MONDO:0007187.

Submission:

Labcorp Genetics (formerly Invitae), Labcorp
Classification: Uncertain significance for Gorlin syndrome. Last evaluated: 2020-05-05. Review status: criteria provided, single submitter. Criteria: Invitae Variant Classification Sherloc (09022015). Collection method: clinical testing. Allele origin: germline.
Comment: In summary, the available evidence is currently insufficient to determine the role of this variant in disease. Therefore, it has been classified as a Variant of Uncertain Significance. Algorithms developed to predict the effect of sequence changes on RNA splicing suggest that this variant may create or strengthen a splice site, but this prediction has not been confirmed by published transcriptional studies. Algorithms developed to predict the effect of missense changes on protein structure and function are either unavailable or do not agree on the potential impact of this missense change (SIFT: "Not Available"; PolyPhen-2: "Probably Damaging"; Align-GVGD: "Not Available"). This variant has not been reported in the literature in individuals with PTCH1-related conditions. This variant is not present in population databases (ExAC no frequency). This sequence change replaces asparagine with isoleucine at codon 496 of the PTCH1 protein (p.Asn496Ile). The asparagine residue is moderately conserved and there is a large physicochemical difference between asparagine and isoleucine.